The following is an entry in ClinVar:

ClinVar aggregate classification (germline): Conflicting classifications of pathogenicity. Review status: criteria provided, conflicting classifications (1 of 4 stars). 3 submissions from 3 submitters: Uncertain significance (1); Likely benign (1). 1 of the submissions does not count toward it. Last evaluated 2026-09-01.

Conditions:
TIAM1-related disorder. Also called: TIAM1-related condition.

Allele frequency attached by ClinVar (database versions not stated): 1000 Genomes Project 0.00040; 1000 Genomes Project 30x 0.00047; ESP Exome Variant Server 0.00100; gnomAD 0.00124; ExAC 0.00135; TOPMed 0.00138.
gnomAD v4.1: 2,368 of 1,614,240 alleles (0.15%); highest among the groups gnomAD compares: Non-Finnish European, 0.18%; 4 homozygotes.

Submissions (3):

CeGaT Center for Human Genetics Tuebingen
Classification: Likely benign. Last evaluated: 2026-09-01. Review status: criteria provided, single submitter. Criteria: CeGaT Center For Human Genetics Tuebingen Variant Classification Criteria Version 2. Collection method: clinical testing. Allele origin: germline. Affected: yes. Observed: 4 variant alleles.
Comment: TIAM1: BS2

GeneDx
Classification: Uncertain significance. Last evaluated: 2023-04-19. Review status: criteria provided, single submitter. Criteria: GeneDx Variant Classification Process June 2021. Collection method: clinical testing. Allele origin: germline. Affected: yes.
Comment: In silico analysis supports that this missense variant has a deleterious effect on protein structure/function; Has not been previously published as pathogenic or benign to our knowledge

PreventionGenetics, part of Exact Sciences
Classification: Likely benign for TIAM1-related condition. Last evaluated: 2022-08-17. Review status: no assertion criteria provided. Collection method: clinical testing. Allele origin: germline. Not counted in ClinVar's aggregate classification.
Comment: This variant is classified as likely benign based on ACMG/AMP sequence variant interpretation guidelines (Richards et al. 2015 PMID: 25741868, with internal and published modifications).

NM_001353694.2(TIAM1):c.610G>A (p.Glu204Lys)

Gene: TIAM1 (TIAM Rac1 associated GEF 1; minus strand). Cytogenetic location: 21q22.11.
Variant type: single nucleotide variant.
Coding change: c.610G>A on transcript NM_001353694.2 (MANE Select); coding-DNA position 610, G replaced by A.
Protein change: p.Glu204Lys; replaces glutamic acid 204 with lysine.
Molecular consequence: missense variant.
Genome position (GRCh38, 1-based): chr21:31,266,363, C>T on the plus strand (G>A on the coding strand, the complement: TIAM1 is on the minus strand). VCF-style: chr21-31266363-C-T. GRCh37 (hg19) VCF-style: chr21-32638679-C-T.
Other names: c.610G>A, p.Glu204Lys (NM_001353686.2, NM_001353687.2, NM_001353688.1 and 6 more transcripts); short protein forms E204K.
Identifiers: ClinVar variation 2663679 (VCV002663679.21), dbSNP rs113219144, ClinGen allele CA9998636.